The following is an entry in ClinVar:

NM_001723.7(DST):c.5221C>T (p.Gln1741Ter)

Gene: DST (dystonin; minus strand). Cytogenetic location: 6p12.1.
Variant type: single nucleotide variant.
Coding change: c.5221C>T on transcript NM_001723.7 (MANE Plus Clinical); coding-DNA position 5221, C replaced by T.
Protein change: p.Gln1741Ter; replaces glutamine 1741 with a stop codon.
Molecular consequence: nonsense. On other transcripts: intron variant (10).
Genome position (GRCh38, 1-based): chr6:56,618,813, G>A on the plus strand (C>T on the coding strand, the complement: DST is on the minus strand). VCF-style: chr6-56618813-G-A. GRCh37 (hg19) VCF-style: chr6-56483611-G-A.
Other names: c.4831-4329C>T (NM_001144769.5); c.4930-4329C>T (NM_001374722.1, NM_001374736.1); c.4957-4329C>T (NM_001374734.1); c.4417-4329C>T (NM_001144770.2); c.4297-4329C>T (NM_001374730.1, NM_001386100.1, NM_183380.4 and 1 more transcripts); c.3319-4329C>T (NM_015548.5); short protein forms Q1741*.
Identifiers: ClinVar variation 2933263 (VCV002933263.3), dbSNP rs142001477, ClinGen allele CA364567872.
Genomic context (GRCh38, chr6:56,618,813, plus strand): 5'-ATTTTTCCATCTTCTTCCGAAACTCCTCTGCTGATTGTTTGAATTTACCAGATTCTTCCT[G>A]AAACAGAACCATCTTTCTGTGGGTCATCTGCTCCTCTATGGTCTTTAAGTGTAATTCGTC-3'

ClinVar aggregate classification (germline): Pathogenic (1 of 4 stars; one submission).

Conditions:
Hereditary sensory and autonomic neuropathy type 6. Also called: HSAN VI; Neuropathy, hereditary sensory and autonomic, type VI. Identifiers: Orphanet 314381, MedGen C3539003, MONDO:0013839, OMIM 614653.
Epidermolysis bullosa simplex 3, localized or generalized intermediate, with BP230 deficiency (EBS3). Also called: Epidermolysis bullosa simplex, autosomal recessive 2; Epidermolysis bullosa simplex due to BP230 deficiency. Identifiers: Orphanet 412181, MedGen C3809470, MONDO:0014180, OMIM 615425.

Submission:

Labcorp Genetics (formerly Invitae), Labcorp
Classification: Pathogenic for Epidermolysis bullosa simplex 3, localized or generalized intermediate, with BP230 deficiency; Hereditary sensory and autonomic neuropathy type 6. Last evaluated: 2023-12-11. Review status: criteria provided, single submitter. Criteria: Invitae Variant Classification Sherloc (09022015). Collection method: clinical testing. Allele origin: germline.
Comment: This sequence change creates a premature translational stop signal (p.Gln1741*) in the DST gene. It is expected to result in an absent or disrupted protein product. Loss-of-function variants in DST are known to be pathogenic (PMID: 22522446, 25059916, 30371979). This variant is not present in population databases (gnomAD no frequency). This variant has not been reported in the literature in individuals affected with DST-related conditions. For these reasons, this variant has been classified as Pathogenic.

Literature cited by the submitters: PubMed 22522446; PubMed 25059916; PubMed 30371979.